The following is an entry in ClinVar:

ClinVar aggregate classification (germline): Benign/Likely benign. Review status: criteria provided, multiple submitters, no conflicts (2 of 4 stars). 3 submissions from 3 submitters: Benign (1); Likely benign (2). Last evaluated 2024-11-05.

Conditions:
Multiple endocrine neoplasia, type 1 (MEN1). Also called: MEN I; WERMER SYNDROME; Endocrine adenomatosis multiple; MEN 1; MEA I. Identifiers: Orphanet 652, MedGen C0025267, MeSH D018761, MONDO:0007540, OMIM 131100.
Hereditary cancer-predisposing syndrome. Also called: Neoplastic Syndromes, Hereditary; Tumor predisposition; Hereditary neoplastic syndrome; Hereditary Cancer Syndrome. Identifiers: Orphanet 140162, MedGen C0027672, MeSH D009386, MONDO:0015356.

Allele frequency attached by ClinVar (database versions not stated): gnomAD exomes below 0.00001; gnomAD 0.00001.
gnomAD v4.1: 5 of 1,595,624 alleles (0.00031%); highest among the groups gnomAD compares: East Asian, 0.0022%; no homozygotes.

Submissions (3):

Myriad Genetics, Inc.
Classification: Benign for Multiple endocrine neoplasia, type 1. Last evaluated: 2024-11-05. Review status: criteria provided, single submitter. Criteria: Myriad Autosomal Dominant, Autosomal Recessive and X-Linked Classification Criteria (2023). Collection method: clinical testing. Allele origin: unknown.
Comment: This variant is considered benign. This variant is a silent/synonymous amino acid change and it is not expected to impact splicing.

Labcorp Genetics (formerly Invitae), Labcorp
Classification: Likely benign for Multiple endocrine neoplasia, type 1. Last evaluated: 2024-08-21. Review status: criteria provided, single submitter. Criteria: Invitae Variant Classification Sherloc (09022015). Collection method: clinical testing. Allele origin: germline.

Ambry Genetics
Classification: Likely benign for Hereditary cancer-predisposing syndrome. Last evaluated: 2022-12-14. Review status: criteria provided, single submitter. Criteria: Ambry Variant Classification Scheme 2023. Collection method: clinical testing. Allele origin: germline.

NM_001370259.2(MEN1):c.1458G>A (p.Glu486=)

Gene: MEN1 (menin 1; minus strand). Cytogenetic location: 11q13.1.
Variant type: single nucleotide variant.
Coding change: c.1458G>A on transcript NM_001370259.2 (MANE Select); coding-DNA position 1458, G replaced by A.
Protein change: p.Glu486=; no amino-acid change (glutamic acid 486 retained).
Molecular consequence: synonymous variant.
Genome position (GRCh38, 1-based): chr11:64,804,709, C>T on the plus strand (G>A on the coding strand, the complement: MEN1 is on the minus strand). VCF-style: chr11-64804709-C-T. GRCh37 (hg19) VCF-style: chr11-64572181-C-T.
Other names: c.1473G>A, p.Glu491= (NM_000244.4, NM_130800.3, NM_130801.3 and 3 more transcripts); c.1584G>A, p.Glu528= (NM_001370251.2); c.1458G>A, p.Glu486= (NM_001370260.2, NM_001370261.2, NM_130799.3); c.1353G>A, p.Glu451= (NM_001370262.2, NM_001370263.2).
Identifiers: ClinVar variation 527296 (VCV000527296.11), dbSNP rs1413990417, ClinGen allele CA475163248.
Genomic context (GRCh38, chr11:64,804,709, plus strand): 5'-GGTGCCCAGGCCCTTGTCCAGTGCTGGCTTCTTGGGCGGCGGGGGCTCCTCTGGCTTGGA[C>T]TCCCGCCGTGGGCCCCGCCGCCGGCCTTCCCGGGCTTCCTCGCCCCACGGCTCCTCGGCC-3'
Protein context (NP_001357188.2, residues 476-496): REGRRRGPRR[Glu486=]SKPEEPPPPK